The following is an entry in ClinVar:

ClinVar aggregate classification (germline): Uncertain significance (1 of 4 stars; one submission).

Allele frequency attached by ClinVar (database versions not stated): ExAC 0.00001; TOPMed 0.00001.
gnomAD v4.1: 11 of 1,614,022 alleles (0.00068%); highest among the groups gnomAD compares: Non-Finnish European, 0.00093%; no homozygotes.

Submission:

Women's Health and Genetics/Laboratory Corporation of America, LabCorp
Classification: Uncertain significance. Last evaluated: 2024-01-19. Review status: criteria provided, single submitter. Criteria: LabCorp Variant Classification Summary - May 2015. Collection method: clinical testing. Allele origin: germline.
Comment: Variant summary: FGF23 c.470T>A (p.Phe157Tyr) results in a conservative amino acid change in the encoded protein sequence. Four of five in-silico tools predict a damaging effect of the variant on protein function. The variant allele was found at a frequency of 8e-06 in 251228 control chromosomes. The available data on variant occurrences in the general population are insufficient to allow any conclusion about variant significance. To our knowledge, no occurrence of c.470T>A in individuals affected with Autosomal Dominant Hypophosphatemic Rickets and no experimental evidence demonstrating its impact on protein function have been reported. No submitters have cited clinical-significance assessments for this variant to ClinVar. Based on the evidence outlined above, the variant was classified as uncertain significance.

NM_020638.3(FGF23):c.470T>A (p.Phe157Tyr)

Gene: FGF23 (fibroblast growth factor 23; minus strand). Cytogenetic location: 12p13.32.
Variant type: single nucleotide variant.
Coding change: c.470T>A on transcript NM_020638.3 (MANE Select); coding-DNA position 470, T replaced by A.
Protein change: p.Phe157Tyr; replaces phenylalanine 157 with tyrosine.
Molecular consequence: missense variant.
Genome position (GRCh38, 1-based): chr12:4,370,629, A>T on the plus strand (T>A on the coding strand, the complement: FGF23 is on the minus strand). VCF-style: chr12-4370629-A-T. GRCh37 (hg19) VCF-style: chr12-4479795-A-T.
Other names: short protein forms F157Y.
Identifiers: ClinVar variation 3064003 (VCV003064003.1), dbSNP rs769757583, ClinGen allele CA6395675.